The following is an entry in ClinVar:

NM_004260.4(RECQL4):c.1704+5G>A

Gene: RECQL4 (RecQ like helicase 4; minus strand). Cytogenetic location: 8q24.3.
Variant type: single nucleotide variant.
Coding change: c.1704+5G>A on transcript NM_004260.4 (MANE Select); 5 bases into the intron after coding-DNA position 1704, G replaced by A.
Molecular consequence: intron variant.
Genome position (GRCh38, 1-based): chr8:144,514,437, C>T on the plus strand (G>A on the coding strand, the complement: RECQL4 is on the minus strand). VCF-style: chr8-144514437-C-T. GRCh37 (hg19) VCF-style: chr8-145739821-C-T.
Identifiers: ClinVar variation 1018857 (VCV001018857.5), dbSNP rs771504530, ClinGen allele CA4948711.

ClinVar aggregate classification (germline): Uncertain significance (1 of 4 stars; one submission).

Conditions:
Baller-Gerold syndrome (BGS). Also called: CRANIOSYNOSTOSIS WITH RADIAL DEFECTS. Identifiers: Orphanet 1225, MedGen C0265308, MONDO:0009039, OMIM 218600.

Allele frequency attached by ClinVar (database versions not stated): gnomAD exomes below 0.00001; TOPMed below 0.00001; ExAC 0.00001.
gnomAD v4.1: 2 of 1,611,216 alleles (0.00012%); highest among the groups gnomAD compares: Non-Finnish European, 0.00017%; no homozygotes.

Submission:

Labcorp Genetics (formerly Invitae), Labcorp
Classification: Uncertain significance for Baller-Gerold syndrome. Last evaluated: 2022-02-24. Review status: criteria provided, single submitter. Criteria: Invitae Variant Classification Sherloc (09022015). Collection method: clinical testing. Allele origin: germline.
Comment: In summary, the available evidence is currently insufficient to determine the role of this variant in disease. Therefore, it has been classified as a Variant of Uncertain Significance. Variants that disrupt the consensus splice site are a relatively common cause of aberrant splicing (PMID: 17576681, 9536098). Algorithms developed to predict the effect of sequence changes on RNA splicing suggest that this variant may create or strengthen a splice site. ClinVar contains an entry for this variant (Variation ID: 1018857). This variant has not been reported in the literature in individuals affected with RECQL4-related conditions. This variant is present in population databases (rs771504530, gnomAD 0.0009%). This sequence change falls in intron 10 of the RECQL4 gene. It does not directly change the encoded amino acid sequence of the RECQL4 protein. It affects a nucleotide within the consensus splice site.

Literature cited by the submitters: PubMed 17576681; PubMed 9536098.